The following is an entry in ClinVar:

ClinVar aggregate classification (germline): Conflicting classifications of pathogenicity. Review status: criteria provided, conflicting classifications (1 of 4 stars). 6 submissions from 6 submitters: Uncertain significance (5); Likely benign (1). Last evaluated 2025-11-25.

Conditions:
Cardiovascular phenotype. Identifiers: MedGen CN230736.
Dilated cardiomyopathy 1AA (CMD1AA). Also called: Cardiomyopathy, dilated, 1AA, with or without LVNC; CARDIOMYOPATHY, DILATED, 1AA, WITH OR WITHOUT LEFT VENTRICULAR NONCOMPACTION; CARDIOMYOPATHY, FAMILIAL HYPERTROPHIC, 23, WITH OR WITHOUT LEFT VENTRICULAR NONCOMPACTION. Identifiers: Orphanet 154, MedGen C2677338, MONDO:0012808, OMIM 612158.
Primary familial hypertrophic cardiomyopathy (HCM). Identifiers: Orphanet 99739, MedGen C0949658, MeSH D024741, MONDO:0024573. Inheritance: Various modes of inheritance.
Cardiomyopathy (CMYO). Also called: Cardiomyopathies. Identifiers: Orphanet 167848, MedGen C0878544, MONDO:0004994, HP:0001638. Inheritance: Various modes of inheritance.

Allele frequency attached by ClinVar (database versions not stated): gnomAD exomes 0.00004; 1000 Genomes Project 30x 0.00016; 1000 Genomes Project 0.00020; TOPMed 0.00002; gnomAD 0.00003; ExAC 0.00004.
gnomAD v4.1: 121 of 1,614,106 alleles (0.0075%); highest among the groups gnomAD compares: Middle Eastern, 0.016%; no homozygotes.

Submissions (6):

Labcorp Genetics (formerly Invitae), Labcorp
Classification: Likely benign for Primary familial hypertrophic cardiomyopathy; Dilated cardiomyopathy 1AA. Last evaluated: 2025-11-25. Review status: criteria provided, single submitter. Criteria: Invitae Variant Classification Sherloc (09022015). Collection method: clinical testing. Allele origin: germline.

Molecular Diagnostic Laboratory for Inherited Cardiovascular Disease, Montreal Heart Institute
Classification: Uncertain significance for Cardiovascular phenotype. Last evaluated: 2025-04-09. Review status: criteria provided, single submitter. Criteria: ACMG Guidelines, 2015. Collection method: clinical testing. Allele origin: germline. Affected: yes.

Ambry Genetics
Classification: Uncertain significance for Cardiovascular phenotype. Last evaluated: 2025-01-03. Review status: criteria provided, single submitter. Criteria: Ambry Variant Classification Scheme 2023. Collection method: clinical testing. Allele origin: germline.
Comment: The p.R394W variant (also known as c.1180C>T), located in coding exon 11 of the ACTN2 gene, results from a C to T substitution at nucleotide position 1180. The arginine at codon 394 is replaced by tryptophan, an amino acid with dissimilar properties. This variant has been reported in a cardiomyopathy cohort (Akinrinade O et al. J Cardiovasc Transl Res, 2023 Dec;16:1287-1302). This amino acid position is highly conserved in available vertebrate species. In addition, this alteration is predicted to be deleterious by in silico analysis. Based on the available evidence, the clinical significance of this variant remains unclear.

Blueprint Genetics
Classification: Uncertain significance. Last evaluated: 2023-12-14. Review status: criteria provided, single submitter. Criteria: ACMG Guidelines, 2015. Collection method: clinical testing. Allele origin: germline.

CHEO Genetics Diagnostic Laboratory, Children's Hospital of Eastern Ontario
Classification: Uncertain significance for Cardiomyopathy. Last evaluated: 2018-02-28. Review status: criteria provided, single submitter. Criteria: ACMG Guidelines, 2015. Collection method: clinical testing. Allele origin: germline.

GeneDx
Classification: Uncertain significance. Last evaluated: 2017-08-09. Review status: criteria provided, single submitter. Criteria: GeneDx Variant Classification (06012015). Collection method: clinical testing. Allele origin: germline. Affected: yes.
Comment: A variant of uncertain significance has been identified in the ACTN2 gene. The R394W variant has not been published as pathogenic or been reported as benign to our knowledge. This variant is observed in 2/16512 (0.012%) alleles from individuals of South Asian ancestry, and in 3/66728 (0.004%) alleles from individuals of Non-Finnish European ancestry in large population cohorts (Lek et al., 2016; 1000 Genomes Consortium et al., 2015; Exome Variant Server). The R394W variant is a non-conservative amino acid substitution, which is likely to impact secondary protein structure as these residues differ in polarity, charge, size and/or other properties. Additionally, this substitution occurs at a position that is conserved across species and in silico analysis predicts this variant is probably damaging to the protein structure/function. Nevertheless, this variant has not been observed in a significant number of affected individuals, and it lacks both segregation and functional studies which would further clarify its pathogenicity.

Literature cited by the submitters: PubMed 37477868 (cited by Ambry Genetics).

NM_001103.4(ACTN2):c.1180C>T (p.Arg394Trp)

Gene: ACTN2 (actinin alpha 2; plus strand). Cytogenetic location: 1q43.
Variant type: single nucleotide variant.
Coding change: c.1180C>T on transcript NM_001103.4 (MANE Select); coding-DNA position 1180, C replaced by T.
Protein change: p.Arg394Trp; replaces arginine 394 with tryptophan.
Molecular consequence: missense variant.
Genome position (GRCh38, 1-based): chr1:236,742,968, C>T. VCF-style: chr1-236742968-C-T. GRCh37 (hg19) VCF-style: chr1-236906268-C-T.
Other names: c.1180C>T, p.Arg394Trp (NM_001278343.2); c.556C>T, p.Arg186Trp (NM_001278344.2); short protein forms R394W, R186W.
Identifiers: ClinVar variation 412273 (VCV000412273.19), dbSNP rs559395092, ClinGen allele CA1473072.
Genomic context (GRCh38, chr1:236,742,968, plus strand): 5'-GCCTGGCAGAGGCTGGAGCAGGCTGAGAAGGGTTACGAGGAGTGGTTGCTCAATGAGATT[C>T]GGAGACTGGAGCGCTTGGAACACCTGGCTGAGAAGTTCAGGCAGAAGGCCTCAACGCACG-3'
Protein context (NP_001094.1, residues 384-404): GYEEWLLNEI[Arg394Trp]RLERLEHLAE